The following is an entry in ClinVar:

NM_017617.5(NOTCH1):c.2461T>C (p.Tyr821His)

Gene: NOTCH1 (notch receptor 1; minus strand). Cytogenetic location: 9q34.3.
Variant type: single nucleotide variant.
Coding change: c.2461T>C on transcript NM_017617.5 (MANE Select); coding-DNA position 2461, T replaced by C.
Protein change: p.Tyr821His; replaces tyrosine 821 with histidine.
Molecular consequence: missense variant.
Genome position (GRCh38, 1-based): chr9:136,513,027, A>G on the plus strand (T>C on the coding strand, the complement: NOTCH1 is on the minus strand). VCF-style: chr9-136513027-A-G. GRCh37 (hg19) VCF-style: chr9-139407479-A-G.
Other names: short protein forms Y821H.
Identifiers: ClinVar variation 2586760 (VCV002586760.2), dbSNP rs2540452046, ClinGen allele CA375556381.

ClinVar aggregate classification (germline): Uncertain significance (1 of 4 stars; one submission).

Conditions:
Familial thoracic aortic aneurysm and aortic dissection (TAAD). Also called: Thoracic aortic aneurysms and dissections. Identifiers: Orphanet 91387, MedGen C4707243, MONDO:0019625.

Submission:

Ambry Genetics
Classification: Uncertain significance for Familial thoracic aortic aneurysm and aortic dissection. Last evaluated: 2023-09-06. Review status: criteria provided, single submitter. Criteria: Ambry Variant Classification Scheme 2023. Collection method: clinical testing. Allele origin: germline.
Comment: The p.Y821H variant (also known as c.2461T>C), located in coding exon 15 of the NOTCH1 gene, results from a T to C substitution at nucleotide position 2461. The tyrosine at codon 821 is replaced by histidine, an amino acid with similar properties. This amino acid position is conserved. In addition, this alteration is predicted to be deleterious by in silico analysis. Since supporting evidence is limited at this time, the clinical significance of this alteration remains unclear.